The following is an entry in ClinVar:

ClinVar aggregate classification (germline): Uncertain significance. Review status: criteria provided, multiple submitters, no conflicts (2 of 4 stars). 2 submissions from 2 submitters: Uncertain significance (2). Last evaluated 2025-07-02.

Allele frequency attached by ClinVar (database versions not stated): TOPMed 0.00003; ExAC 0.00004; gnomAD exomes 0.00004 and 0.00007; ESP Exome Variant Server 0.00008; gnomAD 0.00009.
gnomAD v4.1: 118 of 1,565,106 alleles (0.0075%); highest among the groups gnomAD compares: Admixed American, 0.019%; no homozygotes.

Submissions (2):

Labcorp Genetics (formerly Invitae), Labcorp
Classification: Uncertain significance. Last evaluated: 2025-07-02. Review status: criteria provided, single submitter. Criteria: Invitae Variant Classification Sherloc (09022015). Collection method: clinical testing. Allele origin: germline.
Comment: This sequence change replaces glutamine, which is neutral and polar, with histidine, which is basic and polar, at codon 899 of the GEN1 protein (p.Gln899His). This variant is present in population databases (rs370541992, gnomAD 0.007%). This variant has not been reported in the literature in individuals affected with GEN1-related conditions. ClinVar contains an entry for this variant (Variation ID: 1006790). An algorithm developed to predict the effect of missense changes on protein structure and function (PolyPhen-2) suggests that this variant is likely to be disruptive. In summary, the available evidence is currently insufficient to determine the role of this variant in disease. Therefore, it has been classified as a Variant of Uncertain Significance.

Ambry Genetics
Classification: Uncertain significance. Last evaluated: 2024-12-14. Review status: criteria provided, single submitter. Criteria: Ambry Variant Classification Scheme 2023. Collection method: clinical testing. Allele origin: germline.
Comment: The p.Q899H variant (also known as c.2697G>C), located in coding exon 13 of the GEN1 gene, results from a G to C substitution at nucleotide position 2697. The glutamine at codon 899 is replaced by histidine, an amino acid with highly similar properties. This amino acid position is conserved. In addition, this alteration is predicted to be tolerated by in silico analysis. Based on the available evidence, the clinical significance of this variant remains unclear.

NM_001130009.3(GEN1):c.2697G>C (p.Gln899His)

Gene: GEN1 (GEN1 structure-specific endonuclease; plus strand). Cytogenetic location: 2p24.2.
Variant type: single nucleotide variant.
Coding change: c.2697G>C on transcript NM_001130009.3 (MANE Select); coding-DNA position 2697, G replaced by C.
Protein change: p.Gln899His; replaces glutamine 899 with histidine.
Molecular consequence: missense variant.
Genome position (GRCh38, 1-based): chr2:17,781,909, G>C. VCF-style: chr2-17781909-G-C. GRCh37 (hg19) VCF-style: chr2-17963176-G-C.
Other names: c.2697G>C (NM_001130009.1); c.2697G>C, p.Gln899His (NM_182625.5); short protein forms Q899H.
Identifiers: ClinVar variation 1006790 (VCV001006790.9), dbSNP rs370541992, ClinGen allele CA1541008.